The following is an entry in ClinVar:

NM_001148.6(ANK2):c.590A>G (p.His197Arg)

Gene: ANK2 (ankyrin 2; plus strand). Cytogenetic location: 4q26.
Variant type: single nucleotide variant.
Coding change: c.590A>G on transcript NM_001148.6 (MANE Select); coding-DNA position 590, A replaced by G.
Protein change: p.His197Arg; replaces histidine 197 with arginine.
Molecular consequence: missense variant.
Genome position (GRCh38, 1-based): chr4:113,237,093, A>G. VCF-style: chr4-113237093-A-G. GRCh37 (hg19) VCF-style: chr4-114158249-A-G.
Other names: c.527A>G, p.His176Arg (NM_001127493.3, NM_001354239.2, NM_001354243.2 and 33 more transcripts); c.590A>G, p.His197Arg (NM_001354225.2, NM_001354228.2, NM_001354232.2 and 9 more transcripts); c.635A>G, p.His212Arg (NM_001354230.2, NM_001354231.2, NM_001354237.2 and 5 more transcripts); c.572A>G, p.His191Arg (NM_001354261.2, NM_001386147.1, NM_001386160.1); c.578A>G, p.His193Arg (NM_001354269.3, NM_001386148.2, NM_001386186.2 and 1 more transcripts); c.641A>G, p.His214Arg (NM_001386174.1, NM_001386175.1); short protein forms H176R, H197R, H191R, H193R, H212R, H214R.
Identifiers: ClinVar variation 430239 (VCV000430239.2), dbSNP rs1131691850, ClinGen allele CA357916603.

ClinVar aggregate classification (germline): Uncertain significance (1 of 4 stars; one submission).

Submission:

GeneDx
Classification: Uncertain significance. Last evaluated: 2017-05-19. Review status: criteria provided, single submitter. Criteria: GeneDx Variant Classification (06012015). Collection method: clinical testing. Allele origin: germline. Affected: yes.
Comment: A variant of uncertain significance has been identified in the ANK2 gene. The H197R variant has not been published as pathogenic or been reported as benign to our knowledge. This variant is not observed in large population cohorts (Lek et al., 2016; 1000 Genomes Consortium et al., 2015; Exome Variant Server). The H197R variant occurs at a position that is conserved across species. Additionally, in silico analysis predicts this variant is probably damaging to the protein structure/function. Nevertheless, this substitution is a conservative amino acid substitution, which is not likely to impact secondary protein structure as these residues share similar properties.